The following is an entry in ClinVar:

NM_201550.4(LRRC10):c.735del (p.Glu246fs)

Gene: LRRC10 (leucine rich repeat containing 10; minus strand). Cytogenetic location: 12q15.
Variant type: Deletion.
Coding change: c.735del on transcript NM_201550.4 (MANE Select); coding-DNA position 735, one base deleted (A; older notation c.735delA).
Protein change: p.Glu246fs; shifts the reading frame from glutamic acid 246.
Molecular consequence: frameshift variant.
Genome position (GRCh38, 1-based): chr12:69,610,104, T deleted on the plus strand (A on the coding strand, the reverse complement: LRRC10 is on the minus strand). VCF-style (leftmost placement, unchanged base first): chr12-69610103-CT-C. GRCh37 (hg19) VCF-style: chr12-70003883-CT-C.
Other names: short protein forms E246fs.
Identifiers: ClinVar variation 3001141 (VCV003001141.3), dbSNP rs1245381334, ClinGen allele CA606184233.

ClinVar aggregate classification (germline): Uncertain significance (1 of 4 stars; one submission).

Allele frequency attached by ClinVar (database versions not stated): gnomAD exomes below 0.00001.

Submission:

Labcorp Genetics (formerly Invitae), Labcorp
Classification: Uncertain significance. Last evaluated: 2023-10-04. Review status: criteria provided, single submitter. Criteria: Invitae Variant Classification Sherloc (09022015). Collection method: clinical testing. Allele origin: germline.
Comment: This sequence change creates a premature translational stop signal (p.Glu246Serfs*85) in the LRRC10 gene. While this is not anticipated to result in nonsense mediated decay, it is expected to disrupt the last 32 amino acid(s) of the LRRC10 protein. This variant is present in population databases (no rsID available, gnomAD 0.006%). This variant has not been reported in the literature in individuals affected with LRRC10-related conditions. Experimental studies and prediction algorithms are not available or were not evaluated, and the functional significance of this variant is currently unknown. In summary, the available evidence is currently insufficient to determine the role of this variant in disease. Therefore, it has been classified as a Variant of Uncertain Significance.